The following is an entry in ClinVar:

ClinVar aggregate classification (germline): Likely pathogenic. Review status: criteria provided, multiple submitters, no conflicts (2 of 4 stars). 2 submissions from 2 submitters: Likely pathogenic (2). Last evaluated 2017-07-28.

Submissions (2):

Genetic Services Laboratory, University of Chicago
Classification: Likely pathogenic. Last evaluated: 2017-07-28. Review status: criteria provided, single submitter. Criteria: ACMG Guidelines, 2015. Collection method: clinical testing. Allele origin: germline. Affected: yes.

GeneDx
Classification: Likely pathogenic. Last evaluated: 2016-06-27. Review status: criteria provided, single submitter. Criteria: GeneDx Variant Classification (06012015). Collection method: clinical testing. Allele origin: germline. Affected: yes.
Comment: The W1594R variant has not been published as a pathogenic variant, nor has it been reported as a benign variant to our knowledge. It was not observed in approximately 6,500 individuals of European and African American ancestry in the NHLBI Exome Sequencing Project, indicating it is not a common benign variant in these populations. The W1594R variant is a non-conservative amino acid substitution, which is likely to impact secondary protein structure as these residues differ in polarity, charge, size and/or other properties. Additionally, this substitution alters a conserved position located within the transmembrane segment S3 of the fourth homologous domain, and in silico analysis predicts this variant is probably damaging to the protein structure/function. Furthermore, missense variants in nearby residues (Y1589C, G1593R, D1598G) have been reported in the Human Gene Mutation Database in association with SCN2A-related disorders (Stenson et al., 2014), supporting the functional importance of this region of the protein. Therefore, this variant is likely pathogenic; however, the possibility that it is benign cannot be excluded.

NM_001040142.2(SCN2A):c.4780T>C (p.Trp1594Arg)

Gene: SCN2A (sodium voltage-gated channel alpha subunit 2; plus strand). Cytogenetic location: 2q24.3.
Variant type: single nucleotide variant.
Coding change: c.4780T>C on transcript NM_001040142.2 (MANE Select); coding-DNA position 4780, T replaced by C.
Protein change: p.Trp1594Arg; replaces tryptophan 1594 with arginine.
Molecular consequence: missense variant.
Genome position (GRCh38, 1-based): chr2:165,386,974, T>C. VCF-style: chr2-165386974-T-C. GRCh37 (hg19) VCF-style: chr2-166243484-T-C.
Other names: c.4780T>C, p.Trp1594Arg (NM_001040143.2, NM_001371246.1, NM_001371247.1 and 1 more transcripts); short protein forms W1594R.
Identifiers: ClinVar variation 372973 (VCV000372973.5), dbSNP rs1057518111, ClinGen allele CA16042354.